The following is an entry in ClinVar:

ClinVar aggregate classification (germline): Benign/Likely benign. Review status: criteria provided, multiple submitters, no conflicts (2 of 4 stars). 5 submissions from 4 submitters: Benign (3); Likely benign (2). Last evaluated 2026-01-26.

Conditions:
Developmental and epileptic encephalopathy, 14 (DEE14). Also called: Early infantile epileptic encephalopathy 14. Identifiers: Orphanet 293181, MedGen C3554195, MONDO:0013989, OMIM 614959.
Autosomal dominant nocturnal frontal lobe epilepsy 5. Also called: KCNT1-Related Epilepsy; CILIARY DYSKINESIA, PRIMARY, 28, WITHOUT SITUS INVERSUS; CILIARY DYSKINESIA, PRIMARY, 28, WITH SITUS INVERSUS; Epilepsy, nocturnal frontal lobe, 5. Identifiers: Orphanet 98784, MedGen C3554306, MONDO:0014002, OMIM 615005.

Allele frequency attached by ClinVar (database versions not stated): gnomAD exomes 0.00008 and 0.00018; ExAC 0.00021; 1000 Genomes Project 30x 0.00031; 1000 Genomes Project 0.00040; gnomAD 0.00080 and 0.00087; TOPMed 0.00083; ESP Exome Variant Server 0.00100.
gnomAD v4.1: 244 of 1,610,292 alleles (0.015%); highest among the groups gnomAD compares: African/African-American, 0.24%; no homozygotes.

Submissions (5):

Labcorp Genetics (formerly Invitae), Labcorp
Classification: Benign for Autosomal dominant nocturnal frontal lobe epilepsy 5; Developmental and epileptic encephalopathy, 14. Last evaluated: 2026-01-26. Review status: criteria provided, single submitter. Criteria: Invitae Variant Classification Sherloc (09022015). Collection method: clinical testing. Allele origin: germline.

Genome-Nilou Lab
Classification: Benign for Developmental and epileptic encephalopathy, 14. Last evaluated: 2022-03-15. Review status: criteria provided, single submitter. Criteria: ACMG Guidelines, 2015. Collection method: clinical testing. Allele origin: germline. Affected: no.

Genome-Nilou Lab
Classification: Benign for Autosomal dominant nocturnal frontal lobe epilepsy 5. Last evaluated: 2022-03-15. Review status: criteria provided, single submitter. Criteria: ACMG Guidelines, 2015. Collection method: clinical testing. Allele origin: germline. Affected: no.

GeneDx
Classification: Likely benign. Last evaluated: 2017-11-16. Review status: criteria provided, single submitter. Criteria: GeneDx Variant Classification (06012015). Collection method: clinical testing. Allele origin: germline. Affected: yes.
Comment: This variant is considered likely benign or benign based on one or more of the following criteria: it is a conservative change, it occurs at a poorly conserved position in the protein, it is predicted to be benign by multiple in silico algorithms, and/or has population frequency not consistent with disease.

Eurofins Ntd Llc (ga)
Classification: Likely benign. Last evaluated: 2017-08-11. Review status: criteria provided, single submitter. Criteria: EGL Classification Definitions 2015. Collection method: clinical testing. Allele origin: germline. Observed: 1 variant allele, 1 heterozygote.

NM_020822.3(KCNT1):c.854+10G>A

Gene: KCNT1 (potassium sodium-activated channel subfamily T member 1; plus strand). Cytogenetic location: 9q34.3.
Variant type: single nucleotide variant.
Coding change: c.854+10G>A on transcript NM_020822.3 (MANE Select); 10 bases into the intron after coding-DNA position 854, G replaced by A.
Molecular consequence: intron variant.
Genome position (GRCh38, 1-based): chr9:135,758,518, G>A. VCF-style: chr9-135758518-G-A. GRCh37 (hg19) VCF-style: chr9-138650364-G-A.
Other names: c.710+10G>A (NM_001272003.2).
Identifiers: ClinVar variation 383671 (VCV000383671.16), dbSNP rs146470183, ClinGen allele CA5326670.